The following is an entry in ClinVar:

ClinVar aggregate classification (germline): Uncertain significance (1 of 4 stars; one submission).

gnomAD v4.1: 1 of 1,603,656 alleles (0.000062%); no homozygotes.

Submission:

CeGaT Center for Human Genetics Tuebingen
Classification: Uncertain significance. Last evaluated: 2024-09-01. Review status: criteria provided, single submitter. Criteria: CeGaT Center For Human Genetics Tuebingen Variant Classification Criteria Version 2. Collection method: clinical testing. Allele origin: germline. Affected: yes. Observed: 1 variant allele.
Comment: SH2B3: PM2, PP3

NM_005475.3(SH2B3):c.1409G>T (p.Gly470Val)

Gene: SH2B3 (SH2B adaptor protein 3; plus strand). Cytogenetic location: 12q24.12.
Variant type: single nucleotide variant.
Coding change: c.1409G>T on transcript NM_005475.3 (MANE Select); coding-DNA position 1409, G replaced by T.
Protein change: p.Gly470Val; replaces glycine 470 with valine.
Molecular consequence: missense variant.
Genome position (GRCh38, 1-based): chr12:111,447,983, G>T. VCF-style: chr12-111447983-G-T. GRCh37 (hg19) VCF-style: chr12-111885787-G-T.
Other names: c.803G>T, p.Gly268Val (NM_001291424.1); short protein forms G268V, G470V.
Identifiers: ClinVar variation 3389739 (VCV003389739.14).